The following is an entry in ClinVar:

NM_000057.4(BLM):c.4153A>C (p.Thr1385Pro)

Gene: BLM (BLM RecQ like helicase; plus strand). Cytogenetic location: 15q26.1.
Variant type: single nucleotide variant.
Coding change: c.4153A>C on transcript NM_000057.4 (MANE Select); coding-DNA position 4153, A replaced by C.
Protein change: p.Thr1385Pro; replaces threonine 1385 with proline.
Molecular consequence: missense variant.
Genome position (GRCh38, 1-based): chr15:90,815,178, A>C. VCF-style: chr15-90815178-A-C. GRCh37 (hg19) VCF-style: chr15-91358408-A-C.
Other names: c.4153A>C, p.Thr1385Pro (NM_001287246.2); c.3760A>C, p.Thr1254Pro (NM_001287247.2); c.3028A>C, p.Thr1010Pro (NM_001287248.2); short protein forms T1010P, T1254P, T1385P.
Identifiers: ClinVar variation 3480884 (VCV003480884.1).
Genomic context (GRCh38, chr15:90,815,178, plus strand): 5'-AGAAAGATATCTTCCAAAACGAAATCCTCCAGCATCATTGGATCCAGTTCAGCCTCACAT[A>C]CTTCTCAAGCGACATCAGGAGCCAATAGCAAATTGGGGATTATGGCTCCACCGAAGCCTA-3'
Protein context (NP_000048.1, residues 1375-1395): SIIGSSSASH[Thr1385Pro]SQATSGANSK

ClinVar aggregate classification (germline): Uncertain significance (1 of 4 stars; one submission).

Conditions:
Hereditary cancer-predisposing syndrome. Also called: Tumor predisposition; Neoplastic Syndromes, Hereditary; Hereditary Cancer Syndrome; Hereditary neoplastic syndrome. Identifiers: Orphanet 140162, MedGen C0027672, MeSH D009386, MONDO:0015356.

Submission:

Ambry Genetics
Classification: Uncertain significance for Hereditary cancer-predisposing syndrome. Last evaluated: 2024-10-25. Review status: criteria provided, single submitter. Criteria: Ambry Variant Classification Scheme 2023. Collection method: clinical testing. Allele origin: germline.
Comment: The p.T1385P variant (also known as c.4153A>C), located in coding exon 21 of the BLM gene, results from an A to C substitution at nucleotide position 4153. The threonine at codon 1385 is replaced by proline, an amino acid with highly similar properties. This amino acid position is conserved. In addition, this alteration is predicted to be tolerated by in silico analysis. Based on the available evidence, the clinical significance of this variant remains unclear.